The following is an entry in ClinVar:

NM_000093.5(COL5A1):c.5217C>A (p.His1739Gln)

Genes: COL5A1 (collagen type V alpha 1 chain; plus strand), LOC101448202 (uncharacterized LOC101448202; minus strand). Cytogenetic location: 9q34.3.
Variant type: single nucleotide variant.
Coding change: c.5217C>A on transcript NM_000093.5 (MANE Select); coding-DNA position 5217, C replaced by A.
Protein change: p.His1739Gln; replaces histidine 1739 with glutamine.
Molecular consequence: missense variant.
Genome position (GRCh38, 1-based): chr9:134,835,051, C>A. VCF-style: chr9-134835051-C-A. GRCh37 (hg19) VCF-style: chr9-137726897-C-A.
Other names: c.5217C>A (NM_000093.3); c.5217C>A, p.His1739Gln (NM_001278074.1); short protein forms H1739Q.
Identifiers: ClinVar variation 222526 (VCV000222526.7), dbSNP rs869025374, ClinGen allele CA353674.
Genomic context (GRCh38, chr9:134,835,051, plus strand): 5'-GGGCAACCCTGTGGGTGTGGTACAGATGACCTTCCTGCGGCTGCTGAGCGCCTCTGCCCA[C>A]CAGAACGTCACCTACCACTGCTACCAGTCAGTGGCCTGGCAGGACGCAGCCACGGGCAGC-3'
Protein context (NP_000084.3, residues 1729-1749): TFLRLLSASA[His1739Gln]QNVTYHCYQS

ClinVar aggregate classification (germline): Conflicting classifications of pathogenicity. Review status: criteria provided, conflicting classifications (1 of 4 stars). 4 submissions from 4 submitters: Uncertain significance (3); Benign (1). Last evaluated 2026-03-21.

Conditions:
Ehlers-Danlos syndrome, classic type, 1 (EDSCL1). Also called: EDS I; EHLERS-DANLOS SYNDROME, GRAVIS TYPE; EHLERS-DANLOS SYNDROME, SEVERE CLASSIC TYPE; Ehlers-Danlos Syndrome, Classic Type, COL5A1-Related; Ehlers-Danlos syndrome, type 1. Identifiers: MedGen C0268335, MONDO:0019567, OMIM 130000.
Familial thoracic aortic aneurysm and aortic dissection (TAAD). Also called: Thoracic aortic aneurysms and dissections. Identifiers: Orphanet 91387, MedGen C4707243, MONDO:0019625.

Allele frequency attached by ClinVar (database versions not stated): gnomAD 0.00001; gnomAD exomes 0.00001; TOPMed 0.00001.
gnomAD v4.1: 12 of 1,613,446 alleles (0.00074%); highest among the groups gnomAD compares: Middle Eastern, 0.099%; no homozygotes.

Submissions (4):

Ambry Genetics
Classification: Uncertain significance for Familial thoracic aortic aneurysm and aortic dissection. Last evaluated: 2026-03-21. Review status: criteria provided, single submitter. Criteria: Ambry Variant Classification Scheme 2023. Collection method: clinical testing. Allele origin: germline.
Comment: The p.H1739Q variant (also known as c.5217C>A), located in coding exon 65 of the COL5A1 gene, results from a C to A substitution at nucleotide position 5217. The histidine at codon 1739 is replaced by glutamine, an amino acid with highly similar properties. This amino acid position is conserved. In addition, this alteration is predicted to be tolerated by in silico analysis. Based on the available evidence, the clinical significance of this variant remains unclear.

Labcorp Genetics (formerly Invitae), Labcorp
Classification: Benign for Ehlers-Danlos syndrome, classic type, 1. Last evaluated: 2025-10-26. Review status: criteria provided, single submitter. Criteria: Invitae Variant Classification Sherloc (09022015). Collection method: clinical testing. Allele origin: germline.

GeneDx
Classification: Uncertain significance. Last evaluated: 2022-09-01. Review status: criteria provided, single submitter. Criteria: GeneDx Variant Classification Process June 2021. Collection method: clinical testing. Allele origin: germline. Affected: yes.
Comment: Not observed at significant frequency in large population cohorts (gnomAD); In silico analysis supports that this missense variant does not alter protein structure/function; Not located in the triple helical region, where the majority of pathogenic missense variants occur (Symoens et al., 2012; HGMD); Has not been previously published as pathogenic or benign to our knowledge

Blueprint Genetics
Classification: Uncertain significance. Last evaluated: 2021-10-06. Review status: criteria provided, single submitter. Criteria: ACMG Guidelines, 2015. Collection method: clinical testing. Allele origin: germline.